The following is an entry in ClinVar:

ClinVar aggregate classification (germline): Uncertain significance. Review status: criteria provided, multiple submitters, no conflicts (2 of 4 stars). 2 submissions from 2 submitters: Uncertain significance (2). Last evaluated 2023-06-16.

Conditions:
Kabuki syndrome. Also called: Kabuki make-up syndrome; NIIKAWA-KUROKI SYNDROME. Identifiers: Orphanet 2322, MedGen C0796004, MONDO:0016512.
Inborn genetic diseases. Identifiers: MedGen C0950123, MeSH D030342.

Allele frequency attached by ClinVar (database versions not stated): gnomAD exomes below 0.00001.
gnomAD v4.1: 1 of 1,611,794 alleles (0.000062%); highest among the groups gnomAD compares: Non-Finnish European, 0.000085%; no homozygotes.

Submissions (2):

Labcorp Genetics (formerly Invitae), Labcorp
Classification: Uncertain significance for Kabuki syndrome. Last evaluated: 2023-06-16. Review status: criteria provided, single submitter. Criteria: Invitae Variant Classification Sherloc (09022015). Collection method: clinical testing. Allele origin: germline.
Comment: Advanced modeling of protein sequence and biophysical properties (such as structural, functional, and spatial information, amino acid conservation, physicochemical variation, residue mobility, and thermodynamic stability) performed at Invitae indicates that this missense variant is not expected to disrupt KMT2D protein function. In summary, the available evidence is currently insufficient to determine the role of this variant in disease. Therefore, it has been classified as a Variant of Uncertain Significance. ClinVar contains an entry for this variant (Variation ID: 2491772). This sequence change replaces glycine, which is neutral and non-polar, with aspartic acid, which is acidic and polar, at codon 2504 of the KMT2D protein (p.Gly2504Asp). This variant is not present in population databases (gnomAD no frequency). This variant has not been reported in the literature in individuals affected with KMT2D-related conditions.

Ambry Genetics
Classification: Uncertain significance for Inborn genetic diseases. Last evaluated: 2023-03-27. Review status: criteria provided, single submitter. Criteria: Ambry Variant Classification Scheme 2023. Collection method: clinical testing. Allele origin: germline.
Comment: The c.7511G>A (p.G2504D) alteration is located in exon 31 (coding exon 31) of the KMT2D gene. This alteration results from a G to A substitution at nucleotide position 7511, causing the glycine (G) at amino acid position 2504 to be replaced by an aspartic acid (D). This variant was not reported in population-based cohorts in the Genome Aggregation Database (gnomAD). This amino acid position is well conserved in available vertebrate species. This alteration is predicted to be tolerated by in silico analysis. Based on insufficient or conflicting evidence, the clinical significance of this alteration remains unclear.

NM_003482.4(KMT2D):c.7511G>A (p.Gly2504Asp)

Gene: KMT2D (lysine methyltransferase 2D; minus strand). Cytogenetic location: 12q13.12.
Variant type: single nucleotide variant.
Coding change: c.7511G>A on transcript NM_003482.4 (MANE Select); coding-DNA position 7511, G replaced by A.
Protein change: p.Gly2504Asp; replaces glycine 2504 with aspartic acid.
Molecular consequence: missense variant.
Genome position (GRCh38, 1-based): chr12:49,040,259, C>T on the plus strand (G>A on the coding strand, the complement: KMT2D is on the minus strand). VCF-style: chr12-49040259-C-T. GRCh37 (hg19) VCF-style: chr12-49434042-C-T.
Other names: short protein forms G2504D.
Identifiers: ClinVar variation 2491772 (VCV002491772.6), dbSNP rs1310821971, ClinGen allele CA384747564.